The following is an entry in ClinVar:

ClinVar aggregate classification (germline): Likely benign. Review status: criteria provided, multiple submitters, no conflicts (2 of 4 stars). 3 submissions from 3 submitters: Likely benign (2). 1 of the submissions does not count toward it. Last evaluated 2025-05-11.

Conditions:
SOX11-related disorder. Also called: SOX11-related condition.

Allele frequency attached by ClinVar (database versions not stated): gnomAD 0.00003; TOPMed 0.00005.
gnomAD v4.1: 28 of 1,379,064 alleles (0.002%); highest among the groups gnomAD compares: Admixed American, 0.015%; no homozygotes.

Submissions (3):

Labcorp Genetics (formerly Invitae), Labcorp
Classification: Likely benign. Last evaluated: 2025-05-11. Review status: criteria provided, single submitter. Criteria: Invitae Variant Classification Sherloc (09022015). Collection method: clinical testing. Allele origin: germline.

Blueprint Genetics
Classification: Likely benign. Last evaluated: 2023-07-14. Review status: criteria provided, single submitter. Criteria: ACMG Guidelines, 2015. Collection method: clinical testing. Allele origin: germline.

PreventionGenetics, part of Exact Sciences
Classification: Likely benign for SOX11-related condition. Last evaluated: 2019-08-08. Review status: no assertion criteria provided. Collection method: clinical testing. Allele origin: germline. Not counted in ClinVar's aggregate classification.
Comment: This variant is classified as likely benign based on ACMG/AMP sequence variant interpretation guidelines (Richards et al. 2015 PMID: 25741868, with internal and published modifications).

NM_003108.4(SOX11):c.543C>G (p.Gly181=)

Gene: SOX11 (SRY-box transcription factor 11; plus strand). Cytogenetic location: 2p25.2.
Variant type: single nucleotide variant.
Coding change: c.543C>G on transcript NM_003108.4 (MANE Select); coding-DNA position 543, C replaced by G.
Protein change: p.Gly181=; no amino-acid change (glycine 181 retained).
Molecular consequence: synonymous variant.
Genome position (GRCh38, 1-based): chr2:5,693,264, C>G. VCF-style: chr2-5693264-C-G. GRCh37 (hg19) VCF-style: chr2-5833396-C-G.
Other names: c.543C>G (NM_003108.3).
Identifiers: ClinVar variation 2888846 (VCV002888846.6), dbSNP rs756597677, ClinGen allele CA1517851.